The following is an entry in ClinVar:

NM_000214.3(JAG1):c.917G>C (p.Cys306Ser)

Gene: JAG1 (jagged canonical Notch ligand 1; minus strand). Cytogenetic location: 20p12.2.
Variant type: single nucleotide variant.
Coding change: c.917G>C on transcript NM_000214.3 (MANE Select); coding-DNA position 917, G replaced by C.
Protein change: p.Cys306Ser; replaces cysteine 306 with serine.
Molecular consequence: missense variant.
Genome position (GRCh38, 1-based): chr20:10,652,220, C>G on the plus strand (G>C on the coding strand, the complement: JAG1 is on the minus strand). VCF-style: chr20-10652220-C-G. GRCh37 (hg19) VCF-style: chr20-10632868-C-G.
Other names: short protein forms C306S.
Identifiers: ClinVar variation 3573184 (VCV003573184.2).
Genomic context (GRCh38, chr20:10,652,220, plus strand): 5'-TCAGGGCAGGAACACTGATATTTGTCAGGGCCTGTGTTGCTACAAGTTCCCCCGTTGAGA[C>G]ACGGCTGATGAGTCCCACAGTAATTGAGATCTGCCAAAAAGATCCTGGAGTCACTAAGAG-3'
Protein context (NP_000205.1, residues 296-316): DLNYCGTHQP[Cys306Ser]LNGGTCSNTG

Conditions:
Arteriohepatic dysplasia. Also called: Alagille Syndrome. Identifiers: Orphanet 52, MedGen C0085280, MeSH D016738, MONDO:0007318.

Submission:

Gilbert/Spinner Lab, Children's Hospital of Philadelphia
No classification provided (evidence only). Condition: Alagille syndrome. Review status: no classification provided. Collection method: research. Allele origin: not applicable. Functional consequence: functionally_abnormal.
ClinVar note: "not provided" was previously submitted as the classification for the variant. However, the classification appeared to be based only on an observation of functional data so it was converted to no classification on 2025-07-30.